The following is an entry in ClinVar:

NM_152384.3(BBS5):c.562dup (p.Val188fs)

Gene: BBS5 (Bardet-Biedl syndrome 5; plus strand). Cytogenetic location: 2q31.1.
Variant type: Duplication.
Coding change: c.562dup on transcript NM_152384.3 (MANE Select); coding-DNA position 562, one base duplicated (G; older notation c.562dupG).
Protein change: p.Val188fs; shifts the reading frame from valine 188.
Molecular consequence: frameshift variant.
Genome position (GRCh38, 1-based): chr2:169,493,780, G duplicated. VCF-style (leftmost placement, unchanged base first): chr2-169493779-T-TG. GRCh37 (hg19) VCF-style: chr2-170350289-T-TG.
Other names: short protein forms V188fs.
Identifiers: ClinVar variation 2793507 (VCV002793507.3), dbSNP rs1244442256, ClinGen allele CA537570015.

ClinVar aggregate classification (germline): Pathogenic (1 of 4 stars; one submission).

Conditions:
Bardet-Biedl syndrome (BBS). Identifiers: Orphanet 110, MedGen C0752166, MONDO:0015229.

Allele frequency attached by ClinVar (database versions not stated): gnomAD exomes below 0.00001.

Submission:

Labcorp Genetics (formerly Invitae), Labcorp
Classification: Pathogenic for Bardet-Biedl syndrome. Last evaluated: 2023-10-07. Review status: criteria provided, single submitter. Criteria: Invitae Variant Classification Sherloc (09022015). Collection method: clinical testing. Allele origin: germline.
Comment: This sequence change creates a premature translational stop signal (p.Val188Glyfs*8) in the BBS5 gene. It is expected to result in an absent or disrupted protein product. Loss-of-function variants in BBS5 are known to be pathogenic (PMID: 15137946, 16877420, 26325687, 27708425, 28041643, 29806606). This variant is present in population databases (no rsID available, gnomAD 0.01%). This variant has not been reported in the literature in individuals affected with BBS5-related conditions. Algorithms developed to predict the effect of sequence changes on RNA splicing suggest that this variant may disrupt the consensus splice site. For these reasons, this variant has been classified as Pathogenic.

Literature cited by the submitters: PubMed 15137946; PubMed 16877420; PubMed 26325687; PubMed 27708425; PubMed 28041643; PubMed 29806606.